The following is an entry in ClinVar:

ClinVar aggregate classification (germline): Benign. Review status: reviewed by expert panel (3 of 4 stars). 3 submissions from 3 submitters: Benign (1). 2 of the submissions do not count toward it. Last evaluated 2026-07-01.

Conditions:
CDKL5 disorder. Identifiers: MedGen CN296942, MONDO:0100039.
Developmental and epileptic encephalopathy, 2 (DEE2). Also called: CDKL5 deficiency disorder; INFANTILE SPASM SYNDROME, X-LINKED 2. Identifiers: Orphanet 1934, Orphanet 3451, Orphanet 505652, MedGen C4750718, MONDO:0010396, OMIM 300672.
Angelman syndrome-like. Identifiers: MedGen CN128785.

Allele frequency attached by ClinVar (database versions not stated): gnomAD exomes below 0.00001; TOPMed 0.00001.

Submissions (3):

ClinGen Rett and Angelman-like Disorders Variant Curation Expert Panel
Classification: Benign for CDKL5 disorder. Last evaluated: 2026-07-01. Review status: reviewed by expert panel. Criteria: ClinGen RettAS ACMG Specifications CDKL5 V6.0. Collection method: curation. Allele origin: germline. Inheritance: X-linked inheritance.
Comment: The highest population minor allele frequency of the p.Ser582Phe variant in CDKL5 in gnomAD v4 is 0.00018 in the Ashkenazi Jewish population, which is higher than the ClinGen Rett and Angelman-like Disorders VCEP threshold (≥0.000083) for BA1, and therefore meets this criterion (BA1). The computational predictor REVEL gives a score of 0.284, which is below the threshold of 0.290, evidence that does not predict a damaging effect on CDKL5 function (BP4). In summary, the p.Ser582Phe variant in CDKL5 is classified as benign based on the ACMG/AMP criteria (BA1, BP4). (CDKL5 Specifications v6.0.0; curation approved on 7/1/2026.)

Labcorp Genetics (formerly Invitae), Labcorp
Classification: Benign for Developmental and epileptic encephalopathy, 2; Angelman syndrome-like. Last evaluated: 2024-08-05. Review status: criteria provided, single submitter. Criteria: Invitae Variant Classification Sherloc (09022015). Collection method: clinical testing. Allele origin: germline. Not counted in ClinVar's aggregate classification.

GeneDx
Classification: Uncertain significance. Last evaluated: 2023-08-23. Review status: criteria provided, single submitter. Criteria: GeneDx Variant Classification Process June 2021. Collection method: clinical testing. Allele origin: germline. Affected: yes. Not counted in ClinVar's aggregate classification.
Comment: Not observed at significant frequency in large population cohorts (gnomAD); In silico analysis supports that this missense variant does not alter protein structure/function; Has not been previously published as pathogenic or benign to our knowledge

NM_001323289.2(CDKL5):c.1745C>T (p.Ser582Phe)

Gene: CDKL5 (cyclin dependent kinase like 5; plus strand). Cytogenetic location: Xp22.13.
Variant type: single nucleotide variant.
Coding change: c.1745C>T on transcript NM_001323289.2 (MANE Select); coding-DNA position 1745, C replaced by T.
Protein change: p.Ser582Phe; replaces serine 582 with phenylalanine.
Molecular consequence: missense variant.
Genome position (GRCh38, 1-based): chrX:18,604,669, C>T. VCF-style: chrX-18604669-C-T. GRCh37 (hg19) VCF-style: chrX-18622789-C-T.
Other names: NM_001323289.2(CDKL5):c.1745C>T; p.Ser582Phe; c.1745C>T, p.Ser582Phe (NM_001037343.2, NM_003159.3); short protein forms S582F.
Identifiers: ClinVar variation 1254860 (VCV001254860.8), dbSNP rs1378912528, ClinGen allele CA412362544.